The following is an entry in ClinVar:

ClinVar aggregate classification (germline): Uncertain significance (1 of 4 stars; one submission).

Submission:

GeneDx
Classification: Uncertain significance. Last evaluated: 2026-09-12. Review status: criteria provided, single submitter. Criteria: GeneDx Variant Classification Process June 2021. Collection method: clinical testing. Allele origin: germline.
Comment: Not observed at significant frequency in large population cohorts (gnomAD); In silico analysis supports that this missense variant has a deleterious effect on protein structure/function; Has not been previously published as pathogenic or benign to our knowledge

NM_016562.4(TLR7):c.1972T>A (p.Ser658Thr)

Gene: TLR7 (toll like receptor 7; plus strand). Cytogenetic location: Xp22.2.
Variant type: single nucleotide variant.
Coding change: c.1972T>A on transcript NM_016562.4 (MANE Select); coding-DNA position 1972, T replaced by A.
Protein change: p.Ser658Thr; replaces serine 658 with threonine.
Molecular consequence: missense variant.
Genome position (GRCh38, 1-based): chrX:12,887,480, T>A. VCF-style: chrX-12887480-T-A. GRCh37 (hg19) VCF-style: chrX-12905599-T-A.
Other names: short protein forms S658T.
Identifiers: ClinVar variation 3372043 (VCV003372043.2).